The following is an entry in ClinVar:

ClinVar aggregate classification (germline): Uncertain significance (1 of 4 stars; one submission).

Conditions:
Early-infantile DEE. Also called: Ohtahara syndrome; Early infantile epileptic encephalopathy with suppression bursts; Early infantile epileptic encephalopathy. Identifiers: Orphanet 1934, MedGen C0393706, MONDO:0800491.

Submission:

Labcorp Genetics (formerly Invitae), Labcorp
Classification: Uncertain significance for Early-infantile DEE. Last evaluated: 2024-04-02. Review status: criteria provided, single submitter. Criteria: Invitae Variant Classification Sherloc (09022015). Collection method: clinical testing. Allele origin: germline.
Comment: This sequence change replaces isoleucine, which is neutral and non-polar, with asparagine, which is neutral and polar, at codon 776 of the SCN1A protein (p.Ile776Asn). This variant is not present in population databases (gnomAD no frequency). This variant has not been reported in the literature in individuals affected with SCN1A-related conditions. Advanced modeling of protein sequence and biophysical properties (such as structural, functional, and spatial information, amino acid conservation, physicochemical variation, residue mobility, and thermodynamic stability) performed at Invitae indicates that this missense variant is expected to disrupt SCN1A protein function with a positive predictive value of 95%. In summary, the available evidence is currently insufficient to determine the role of this variant in disease. Therefore, it has been classified as a Variant of Uncertain Significance.

NM_001165963.4(SCN1A):c.2327T>A (p.Ile776Asn)

Gene: SCN1A (sodium voltage-gated channel alpha subunit 1; minus strand). Cytogenetic location: 2q24.3.
Variant type: single nucleotide variant.
Coding change: c.2327T>A on transcript NM_001165963.4 (MANE Select); coding-DNA position 2327, T replaced by A.
Protein change: p.Ile776Asn; replaces isoleucine 776 with asparagine.
Molecular consequence: missense variant. On other transcripts: 5 prime UTR variant (1), non-coding transcript variant (1).
Genome position (GRCh38, 1-based): chr2:166,041,319, A>T on the plus strand (T>A on the coding strand, the complement: SCN1A is on the minus strand). VCF-style: chr2-166041319-A-T. GRCh37 (hg19) VCF-style: chr2-166897829-A-T.
Other names: c.2243T>A, p.Ile748Asn (NM_001165964.3, NM_001353957.2, NM_001353958.2); c.2327T>A, p.Ile776Asn (NM_001202435.3, NM_001353948.2); c.2294T>A, p.Ile765Asn (NM_001353949.2, NM_001353950.2, NM_001353951.2 and 2 more transcripts); c.2291T>A, p.Ile764Asn (NM_001353954.2, NM_001353955.2); c.2240T>A, p.Ile747Asn (NM_001353960.2); c.-132T>A (NM_001353961.2); short protein forms I748N, I776N, I747N, I764N, I765N.
Identifiers: ClinVar variation 3669336 (VCV003669336.2).
Genomic context (GRCh38, chr2:166,041,319, plus strand): 5'-AAATGGTCCGTCATTGGATAGTGCTCCATGGCCATGAAAAGAGTATTTAAGACAATACAG[A>T]TGGTGATGGCCAGGTCAACAAATGGGTCCATCACAACCAGGTTGACAACATGTTTCACTT-3'
Protein context (NP_001159435.1, residues 766-786): MDPFVDLAIT[Ile776Asn]CIVLNTLFMA